The following is an entry in ClinVar:

NM_004727.3(SLC24A1):c.3221T>C (p.Met1074Thr)

Gene: SLC24A1 (solute carrier family 24 member 1; plus strand). Cytogenetic location: 15q22.31.
Variant type: single nucleotide variant.
Coding change: c.3221T>C on transcript NM_004727.3 (MANE Select); coding-DNA position 3221, T replaced by C.
Protein change: p.Met1074Thr; replaces methionine 1074 with threonine.
Molecular consequence: missense variant. On other transcripts: intron variant (1).
Genome position (GRCh38, 1-based): chr15:65,654,000, T>C. VCF-style: chr15-65654000-T-C. GRCh37 (hg19) VCF-style: chr15-65946338-T-C.
Other names: c.3167T>C, p.Met1056Thr (NM_001301032.1); c.2996+1192T>C (NM_001301033.2); c.1202T>C, p.Met401Thr (NM_001254740.2); c.3131T>C, p.Met1044Thr (NM_001301031.1); short protein forms M1074T, M1044T, M401T, M1056T.
Identifiers: ClinVar variation 1045958 (VCV001045958.9), dbSNP rs1054264018, ClinGen allele CA271573487.

ClinVar aggregate classification (germline): Uncertain significance. Review status: criteria provided, multiple submitters, no conflicts (2 of 4 stars). 2 submissions from 2 submitters: Uncertain significance (2). Last evaluated 2022-09-02.

Allele frequency attached by ClinVar (database versions not stated): gnomAD exomes 0.00001; TOPMed 0.00001.

Submissions (2):

Blueprint Genetics
Classification: Uncertain significance. Last evaluated: 2022-09-02. Review status: criteria provided, single submitter. Criteria: ACMG Guidelines, 2015. Collection method: clinical testing. Allele origin: germline.

Labcorp Genetics (formerly Invitae), Labcorp
Classification: Uncertain significance. Last evaluated: 2020-05-04. Review status: criteria provided, single submitter. Criteria: Invitae Variant Classification Sherloc (09022015). Collection method: clinical testing. Allele origin: germline.
Comment: Algorithms developed to predict the effect of missense changes on protein structure and function (SIFT, PolyPhen-2, Align-GVGD) all suggest that this variant is likely to be disruptive, but these predictions have not been confirmed by published functional studies and their clinical significance is uncertain. This variant is not present in population databases (ExAC no frequency). This variant has not been reported in the literature in individuals with SLC24A1-related conditions. In summary, the available evidence is currently insufficient to determine the role of this variant in disease. Therefore, it has been classified as a Variant of Uncertain Significance. This sequence change replaces methionine with threonine at codon 1074 of the SLC24A1 protein (p.Met1074Thr). The methionine residue is highly conserved and there is a moderate physicochemical difference between methionine and threonine.